The following is an entry in ClinVar:

ClinVar aggregate classification (germline): Pathogenic (1 of 4 stars; one submission).

Conditions:
Neurodevelopmental disorder with microcephaly, seizures, and cortical atrophy. Identifiers: MedGen C4540493, MONDO:0060621, OMIM 617802.

Allele frequency attached by ClinVar (database versions not stated): gnomAD exomes below 0.00001.
gnomAD v4.1: 2 of 1,612,772 alleles (0.00012%); highest among the groups gnomAD compares: Non-Finnish European, 0.00017%; no homozygotes.

Submission:

Baylor Genetics
Classification: Pathogenic for Neurodevelopmental disorder with microcephaly, seizures, and cortical atrophy. Last evaluated: 2018-12-12. Review status: criteria provided, single submitter. Criteria: ACMG Guidelines, 2015. Collection method: clinical testing. Allele origin: maternal. Affected: yes.
Comment: This variant was determined to be pathogenic according to ACMG Guidelines, 2015 [PMID:25741868].

NM_006295.3(VARS1):c.3646C>T (p.Gln1216Ter)

Gene: VARS1 (valyl-tRNA synthetase 1; minus strand). Cytogenetic location: 6p21.33.
Variant type: single nucleotide variant.
Coding change: c.3646C>T on transcript NM_006295.3 (MANE Select); coding-DNA position 3646, C replaced by T.
Protein change: p.Gln1216Ter; replaces glutamine 1216 with a stop codon.
Molecular consequence: nonsense.
Genome position (GRCh38, 1-based): chr6:31,779,047, G>A on the plus strand (C>T on the coding strand, the complement: VARS1 is on the minus strand). VCF-style: chr6-31779047-G-A. GRCh37 (hg19) VCF-style: chr6-31746824-G-A.
Other names: short protein forms Q1216*.
Identifiers: ClinVar variation 1031626 (VCV001031626.2), dbSNP rs1812931789, ClinGen allele CA363429692.